The following is an entry in ClinVar:

ClinVar aggregate classification (germline): Likely pathogenic. Review status: criteria provided, multiple submitters, no conflicts (2 of 4 stars). 3 submissions from 3 submitters: Likely pathogenic (2). 1 of the submissions does not count toward it. Last evaluated 2024-12-31.

Conditions:
Androgen resistance syndrome (AIS). Also called: Androgen insensitivity; Androgen insensitivity, complete; Androgen insensitivity syndrome due to coactivator deficiency; ANDROGEN RECEPTOR DEFICIENCY; DIHYDROTESTOSTERONE RECEPTOR DEFICIENCY; TESTICULAR FEMINIZATION SYNDROME. Identifiers: Orphanet 754, Orphanet 99429, MedGen C0039585, MONDO:0019154, OMIM 300068. Disease mechanism: loss of function.
Kennedy disease (SMAX1). Also called: SPINAL AND BULBAR MUSCULAR ATROPHY, X-LINKED 1; KENNEDY SPINAL AND BULBAR MUSCULAR ATROPHY; Spinal and Bulbar Muscular Atrophy. Identifiers: Orphanet 481, MedGen C1839259, MONDO:0010735, OMIM 313200.
AR-related disorder. Also called: AR-related condition.

Allele frequency attached by ClinVar (database versions not stated): gnomAD exomes below 0.00001.
gnomAD v4.1: 1 of 1,211,280 alleles (0.000083%); highest among the groups gnomAD compares: Non-Finnish European, 0.00011%; no homozygotes.

Submissions (3):

Labcorp Genetics (formerly Invitae), Labcorp
Classification: Likely pathogenic for Kennedy disease; Androgen resistance syndrome. Last evaluated: 2024-12-31. Review status: criteria provided, single submitter. Criteria: Invitae Variant Classification Sherloc (09022015). Collection method: clinical testing. Allele origin: germline.
Comment: This sequence change replaces glutamine, which is neutral and polar, with lysine, which is basic and polar, at codon 825 of the AR protein (p.Gln825Lys). This variant is not present in population databases (gnomAD no frequency). This missense change has been observed in individuals with partial androgen insensitivity syndrome (PMID: 10852459, 22412043). It has also been observed to segregate with disease in related individuals. This variant is also known as p.Gln824Lys. ClinVar contains an entry for this variant (Variation ID: 2631223). Invitae Evidence Modeling of protein sequence and biophysical properties (such as structural, functional, and spatial information, amino acid conservation, physicochemical variation, residue mobility, and thermodynamic stability) indicates that this missense variant is expected to disrupt AR protein function with a positive predictive value of 80%. Experimental studies have shown that this missense change affects AR function (PMID: 10852459). This variant disrupts the p.Gln825 amino acid residue in AR. Other variant(s) that disrupt this residue have been observed in individuals with AR-related conditions (PMID: 28624954), which suggests that this may be a clinically significant amino acid residue. In summary, the currently available evidence indicates that the variant is pathogenic, but additional data are needed to prove that conclusively. Therefore, this variant has been classified as Likely Pathogenic.

PreventionGenetics, part of Exact Sciences
Classification: Likely pathogenic for AR-related condition. Last evaluated: 2023-07-19. Review status: criteria provided, single submitter. Criteria: ACMG Guidelines, 2015. Collection method: clinical testing. Allele origin: germline.
Comment: The AR c.2473C>A variant is predicted to result in the amino acid substitution p.Gln825Lys. This variant was reported in individuals with partial androgen insensitivity syndrome (described as p.Gln824Lys, Giwercman. 2000. PubMed ID: 10852459; Hellmann. 2012. PubMed ID: 22412043; Chan. 2015. PubMed ID: 26492835). In vitro experimental studies suggest this variant impacts protein function (Giwercman. 2000. PubMed ID: 10852459). This variant has not been reported in a large population database, indicating it is rare. An alternative substitution (Glu) at the same amino acid position has been reported in an individual with partial androgen insensitivity syndrome (Wang. 2017. PubMed ID: 28624954). This variant is interpreted as likely pathogenic.

Molecular Genetics Laboratory, BC Children's and BC Women's Hospitals
Classification: Likely pathogenic for Androgen resistance syndrome. Last evaluated: 2025-04-09. Review status: no assertion criteria provided. Criteria: ACMG Guidelines, 2015. Collection method: clinical testing. Allele origin: germline. Affected: yes. Not counted in ClinVar's aggregate classification.

Literature cited by the submitters: PubMed 10852459 (cited by Labcorp Genetics (formerly Invitae), Labcorp); PubMed 22412043 (cited by Labcorp Genetics (formerly Invitae), Labcorp); PubMed 28624954 (cited by Labcorp Genetics (formerly Invitae), Labcorp).

NM_000044.6(AR):c.2473C>A (p.Gln825Lys)

Gene: AR (androgen receptor; plus strand). Cytogenetic location: Xq12.
Variant type: single nucleotide variant.
Coding change: c.2473C>A on transcript NM_000044.6 (MANE Select); coding-DNA position 2473, C replaced by A.
Protein change: p.Gln825Lys; replaces glutamine 825 with lysine.
Molecular consequence: missense variant.
Genome position (GRCh38, 1-based): chrX:67,722,850, C>A. VCF-style: chrX-67722850-C-A. GRCh37 (hg19) VCF-style: chrX-66942692-C-A.
Other names: c.2473C>A (NM_000044.2); c.877C>A, p.Gln293Lys (NM_001011645.3); c.2476C>A, p.Gln826Lys (NM_001424175.1); short protein forms Q293K, Q825K, Q826K.
Identifiers: ClinVar variation 2631223 (VCV002631223.5), dbSNP rs2147537756, ClinGen allele CA413427575.